The following is an entry in ClinVar:

ClinVar aggregate classification (germline): Uncertain significance (1 of 4 stars; one submission).

Conditions:
Inborn genetic diseases. Identifiers: MedGen C0950123, MeSH D030342.

gnomAD v4.1: 6 of 1,614,076 alleles (0.00037%); highest among the groups gnomAD compares: African/African-American, 0.0013%; no homozygotes.

Submission:

Ambry Genetics
Classification: Uncertain significance for Inborn genetic diseases. Last evaluated: 2026-07-08. Review status: criteria provided, single submitter. Criteria: Ambry Variant Classification Scheme 2023. Collection method: clinical testing. Allele origin: germline.
Comment: The c.1270G>A (p.A424T) alteration is located in exon 11 (coding exon 10) of the SPTBN1 gene. This alteration results from a G to A substitution at nucleotide position 1270, causing the alanine (A) at amino acid position 424 to be replaced by a threonine (T). Based on data from gnomAD, the A allele has an overall frequency of <0.001% (1/251168) total alleles studied. The highest observed frequency was 0.006% (1/16252) of African alleles. Based on insufficient or conflicting evidence, the clinical significance of this alteration remains unclear.

NM_003128.3(SPTBN1):c.1270G>A (p.Ala424Thr)

Gene: SPTBN1 (spectrin beta, non-erythrocytic 1; plus strand). Cytogenetic location: 2p16.2.
Variant type: single nucleotide variant.
Coding change: c.1270G>A on transcript NM_003128.3 (MANE Select); coding-DNA position 1270, G replaced by A.
Protein change: p.Ala424Thr; replaces alanine 424 with threonine.
Molecular consequence: missense variant.
Genome position (GRCh38, 1-based): chr2:54,624,891, G>A. VCF-style: chr2-54624891-G-A. GRCh37 (hg19) VCF-style: chr2-54852028-G-A.
Other names: c.1231G>A, p.Ala411Thr (NM_178313.3); short protein forms A411T, A424T.
Identifiers: ClinVar variation 5030188 (VCV005030188.1).